The following is an entry in ClinVar:

ClinVar aggregate classification (germline): Uncertain significance. Review status: criteria provided, multiple submitters, no conflicts (2 of 4 stars). 2 submissions from 2 submitters: Uncertain significance (2). Last evaluated 2024-02-05.

Conditions:
Cardiomyopathy (CMYO). Also called: Cardiomyopathies. Identifiers: Orphanet 167848, MedGen C0878544, MONDO:0004994, HP:0001638. Inheritance: Various modes of inheritance.
Catecholaminergic polymorphic ventricular tachycardia (CVPT). Also called: Catecholamine-induced polymorphic ventricular tachycardia. Identifiers: Orphanet 3286, MedGen C5574922, MONDO:0017990.

gnomAD v4.1: 2 of 1,578,886 alleles (0.00013%); highest among the groups gnomAD compares: Non-Finnish European, 0.00017%; no homozygotes.

Submissions (2):

All of Us Research Program, National Institutes of Health
Classification: Uncertain significance for Catecholaminergic polymorphic ventricular tachycardia. Last evaluated: 2024-02-05. Review status: criteria provided, single submitter. Criteria: ACMG Guidelines, 2015. Collection method: clinical testing. Allele origin: germline. Inheritance: Autosomal dominant inheritance. Observed: 2 variant alleles, 2 heterozygotes.
Comment: This missense variant replaces arginine with leucine at codon 1055 of the RYR2 protein. Computational prediction suggests that this variant may have deleterious impact on protein structure and function (internally defined REVEL score threshold >= 0.7, PMID: 27666373). To our knowledge, functional studies have not been reported for this variant. This variant has not been reported in individuals affected with RYR2-related disorders in the literature. This variant has not been identified in the general population by the Genome Aggregation Database (gnomAD). The available evidence is insufficient to determine the role of this variant in disease conclusively. Therefore, this variant is classified as a Variant of Uncertain Significance.

This study involves interpretation of variants in research participants for the purpose of population health screening. Participant phenotype was not available at the time of variant classification. Additional details can be found in publication PMID: 35346344, PMCID: PMC8962531

Color Diagnostics, LLC DBA Color Health
Classification: Uncertain significance for Cardiomyopathy. Last evaluated: 2023-08-16. Review status: criteria provided, single submitter. Criteria: ACMG Guidelines, 2015. Collection method: clinical testing. Allele origin: germline.
Comment: This missense variant replaces arginine with leucine at codon 1055 of the RYR2 protein. Computational prediction suggests that this variant may have deleterious impact on protein structure and function. To our knowledge, functional studies have not been reported for this variant. This variant has not been reported in individuals affected with RYR2-related disorders in the literature. This variant has not been identified in the general population by the Genome Aggregation Database (gnomAD). The available evidence is insufficient to determine the role of this variant in disease conclusively. Therefore, this variant is classified as a Variant of Uncertain Significance.

NM_001035.3(RYR2):c.3164G>T (p.Arg1055Leu)

Gene: RYR2 (ryanodine receptor 2; plus strand). Cytogenetic location: 1q43.
Variant type: single nucleotide variant.
Coding change: c.3164G>T on transcript NM_001035.3 (MANE Select); coding-DNA position 3164, G replaced by T.
Protein change: p.Arg1055Leu; replaces arginine 1055 with leucine.
Molecular consequence: missense variant.
Genome position (GRCh38, 1-based): chr1:237,550,641, G>T. VCF-style: chr1-237550641-G-T. GRCh37 (hg19) VCF-style: chr1-237713941-G-T.
Other names: short protein forms R1055L.
Identifiers: ClinVar variation 3073225 (VCV003073225.2), dbSNP rs757490010, ClinGen allele CA345395021.
Genomic context (GRCh38, chr1:237,550,641, plus strand): 5'-ACACTCTTCTGGATGACCGAACCAAGAAATCCAACAAGGACAGCCTCCGCGAGGCTGTGC[G>T]CACGCTGCTGGGGTACGGCTACAACTTGGAAGCACCAGATCAAGATCATGGTATTTTGGT-3'
Protein context (NP_001026.2, residues 1045-1065): SNKDSLREAV[Arg1055Leu]TLLGYGYNLE